The following is an entry in ClinVar:

NM_001042681.2(RERE):c.3556AAGGAG[5] (p.Glu1191_Arg1192insLysGluLysGlu)

Gene: RERE (arginine-glutamic acid dipeptide repeats; minus strand). Cytogenetic location: 1p36.23.
Variant type: Microsatellite.
Coding change: c.3556AAGGAG[5] on transcript NM_001042681.2 (MANE Select); five copies in a row of the 6-base unit AAGGAG starting at c.3556; the reference has three copies in a row; two copies, 12 bases duplicated.
Protein change: p.Glu1191_Arg1192insLysGluLysGlu.
Molecular consequence: inframe insertion.
Genome position (GRCh38, 1-based): chr1:8,359,809-8,359,820, CTCCTTCTCCTT duplicated on the plus strand (AAGGAGAAGGAG on the coding strand, the reverse complement: RERE is on the minus strand); duplicating any 12 consecutive bases within chr1:8,359,809-8,359,830 gives the same sequence; the position shown is the placement nearest the transcript's 3' end. VCF-style (leftmost placement, unchanged base first): chr1-8359808-G-GCTCCTTCTCCTT. GRCh37 (hg19) VCF-style: chr1-8419868-G-GCTCCTTCTCCTT.
Other names: c.1894AAGGAG[5], p.Glu637_Arg638insLysGluLysGlu (NM_001042682.2); c.3556AAGGAG[5], p.Glu1191_Arg1192insLysGluLysGlu (NM_012102.4).
Identifiers: ClinVar variation 2718895 (VCV002718895.3), dbSNP rs147985313, ClinGen allele CA571106.

ClinVar aggregate classification (germline): Uncertain significance (1 of 4 stars; one submission).

Submission:

Labcorp Genetics (formerly Invitae), Labcorp
Classification: Uncertain significance. Last evaluated: 2023-12-05. Review status: criteria provided, single submitter. Criteria: Invitae Variant Classification Sherloc (09022015). Collection method: clinical testing. Allele origin: germline.
Comment: This variant, c.3562_3573dup, results in the insertion of 4 amino acid(s) of the RERE protein (p.Lys1188_Glu1191dup), but otherwise preserves the integrity of the reading frame. The frequency data for this variant in the population databases is considered unreliable, as metrics indicate poor data quality at this position in the gnomAD database. This variant has not been reported in the literature in individuals affected with RERE-related conditions. In summary, the available evidence is currently insufficient to determine the role of this variant in disease. Therefore, it has been classified as a Variant of Uncertain Significance.